The following is an entry in ClinVar:

ClinVar aggregate classification (germline): Uncertain significance. Review status: criteria provided, single submitter (1 of 4 stars). 2 submissions from 2 submitters: Uncertain significance (1). 1 of the submissions does not count toward it. Last evaluated 2024-02-05.

Conditions:
POLD1-related polyposis and colorectal cancer syndrome (CRCS10). Also called: Colorectal cancer 10; COLORECTAL CANCER, SUSCEPTIBILITY TO, ON CHROMOSOME 19q; Colorectal cancer, susceptibility to, 10. Identifiers: Orphanet 220460, MedGen C2675481, MONDO:0012953, OMIM 612591.

Submissions (2):

Labcorp Genetics (formerly Invitae), Labcorp
Classification: Uncertain significance for POLD1-related polyposis and colorectal cancer syndrome. Last evaluated: 2024-02-05. Review status: criteria provided, single submitter. Criteria: Invitae Variant Classification Sherloc (09022015). Collection method: clinical testing. Allele origin: germline.
Comment: This sequence change creates a premature translational stop signal (p.Gly592Argfs*43) in the POLD1 gene. Missense variants that disrupt the 3'-5' exonuclease (proof-reading) activity of the POLD1 protein are associated with PPAP (polymerase proofreading–associated polyposis) (PMID: 23263490, 23447401). However, loss-of-function variants that result in an absent or severely disrupted POLD1 protein, and missense variants outside the exonuclease domain, are unlikely to be associated with PPAP. This variant is not present in population databases (gnomAD no frequency). This variant has not been reported in the literature in individuals affected with POLD1-related conditions. ClinVar contains an entry for this variant (Variation ID: 548732). In summary, the available evidence is currently insufficient to determine the role of this variant in disease. Therefore, it has been classified as a Variant of Uncertain Significance.

Counsyl
Classification: Uncertain significance for POLD1-related polyposis and colorectal cancer syndrome. Last evaluated: 2017-03-22. Review status: no assertion criteria provided. Collection method: clinical testing. Allele origin: unknown. Not counted in ClinVar's aggregate classification.

Literature cited by the submitters: PubMed 23263490 (cited by Labcorp Genetics (formerly Invitae), Labcorp); PubMed 23447401 (cited by Labcorp Genetics (formerly Invitae), Labcorp).

NM_002691.4(POLD1):c.1773dup (p.Gly592fs)

Gene: POLD1 (DNA polymerase delta 1, catalytic subunit; plus strand). Cytogenetic location: 19q13.33.
Variant type: Duplication.
Coding change: c.1773dup on transcript NM_002691.4 (MANE Select); coding-DNA position 1773, one base duplicated (A; older notation c.1773dupA).
Protein change: p.Gly592fs; shifts the reading frame from glycine 592.
Molecular consequence: frameshift variant. On other transcripts: non-coding transcript variant (1).
Genome position (GRCh38, 1-based): chr19:50,407,413, A duplicated; the last of 3 consecutive A bases (chr19:50,407,411-50,407,413); duplicating any one gives the same sequence. VCF-style (leftmost placement, unchanged base first): chr19-50407410-C-CA. GRCh37 (hg19) VCF-style: chr19-50910667-C-CA.
Other names: c.1773dup, p.Gly592fs (NM_001256849.1, NM_001308632.1); c.1773dupA (NM_001256849.1); short protein forms G592fs.
Identifiers: ClinVar variation 548732 (VCV000548732.5), dbSNP rs1555791532, ClinGen allele CA658823818.